The following is an entry in ClinVar:

NM_001082538.3(TCTN1):c.823-3T>A

Gene: TCTN1 (tectonic family member 1; plus strand). Cytogenetic location: 12q24.11.
Variant type: single nucleotide variant.
Coding change: c.823-3T>A on transcript NM_001082538.3 (MANE Select); 3 bases into the intron before coding-DNA position 823, T replaced by A.
Molecular consequence: intron variant.
Genome position (GRCh38, 1-based): chr12:110,636,478, T>A. VCF-style: chr12-110636478-T-A. GRCh37 (hg19) VCF-style: chr12-111074283-T-A.
Other names: c.655-3T>A (NM_001173975.3); c.643-3T>A (NM_001173976.2); c.289-3T>A (NM_001319681.2); c.781-3T>A (NM_024549.6); c.823-3T>A (NM_001082537.3, NM_001319680.2).
Identifiers: ClinVar variation 1520532 (VCV001520532.4), dbSNP rs757410579, ClinGen allele CA6786743.

ClinVar aggregate classification (germline): Uncertain significance. Review status: criteria provided, multiple submitters, no conflicts (2 of 4 stars). 2 submissions from 2 submitters: Uncertain significance (2). Last evaluated 2023-12-29.

Conditions:
Meckel-Gruber syndrome. Also called: DYSENCEPHALIA SPLANCHNOCYSTICA; GRUBER SYNDROME; Dysencephalia splachnocystica. Identifiers: Orphanet 564, MedGen C0265215, MONDO:0018921.
Joubert syndrome. Also called: CEREBELLOPARENCHYMAL DISORDER IV; JOUBERT-BOLTSHAUSER SYNDROME; Familial aplasia of the vermis. Identifiers: Orphanet 475, MedGen C5979921, MONDO:0018772.

Allele frequency attached by ClinVar (database versions not stated): gnomAD exomes below 0.00001 and 0.00001; gnomAD 0.00001 and 0.00002; ExAC 0.00002; TOPMed 0.00002.
gnomAD v4.1: 9 of 1,372,382 alleles (0.00066%); highest among the groups gnomAD compares: Admixed American, 0.007%; no homozygotes.

Submissions (2):

GeneDx
Classification: Uncertain significance. Last evaluated: 2023-12-29. Review status: criteria provided, single submitter. Criteria: GeneDx Variant Classification Process June 2021. Collection method: clinical testing. Allele origin: germline. Affected: yes.
Comment: Not observed at significant frequency in large population cohorts (gnomAD); In silico analysis supports that this variant does not alter splicing; Has not been previously published as pathogenic or benign to our knowledge

Labcorp Genetics (formerly Invitae), Labcorp
Classification: Uncertain significance for Joubert syndrome; Meckel-Gruber syndrome. Last evaluated: 2021-01-02. Review status: criteria provided, single submitter. Criteria: Invitae Variant Classification Sherloc (09022015). Collection method: clinical testing. Allele origin: germline.
Comment: This sequence change falls in intron 6 of the TCTN1 gene. It does not directly change the encoded amino acid sequence of the TCTN1 protein. It affects a nucleotide within the consensus splice site of the intron. This variant is present in population databases (rs757410579, ExAC 0.02%). This variant has not been reported in the literature in individuals with TCTN1-related conditions. Nucleotide substitutions within the consensus splice site are a relatively common cause of aberrant splicing (PMID: 17576681, 9536098). Algorithms developed to predict the effect of sequence changes on RNA splicing suggest that this variant may disrupt the consensus splice site, but this prediction has not been confirmed by published transcriptional studies. In summary, the available evidence is currently insufficient to determine the role of this variant in disease. Therefore, it has been classified as a Variant of Uncertain Significance.

Literature cited by the submitters: PubMed 17576681 (cited by Labcorp Genetics (formerly Invitae), Labcorp); PubMed 9536098 (cited by Labcorp Genetics (formerly Invitae), Labcorp).